The following is an entry in ClinVar:

NM_007294.4(BRCA1):c.2253G>C (p.Met751Ile)

Gene: BRCA1 (BRCA1 DNA repair associated; minus strand). Cytogenetic location: 17q21.31.
Variant type: single nucleotide variant.
Coding change: c.2253G>C on transcript NM_007294.4 (MANE Select); coding-DNA position 2253, G replaced by C.
Protein change: p.Met751Ile; replaces methionine 751 with isoleucine.
Molecular consequence: missense variant. On other transcripts: intron variant (137).
Genome position (GRCh38, 1-based): chr17:43,093,278, C>G on the plus strand (G>C on the coding strand, the complement: BRCA1 is on the minus strand). VCF-style: chr17-43093278-C-G. GRCh37 (hg19) VCF-style: chr17-41245295-C-G.
Other names: c.2109G>C, p.Met703Ile (NM_001407748.1, NM_001407740.1, NM_001407741.1 and 20 more transcripts); c.1986G>C, p.Met662Ile (NM_001407934.1, NM_001407936.1, NM_001407930.1 and 2 more transcripts); c.2130G>C, p.Met710Ile (NM_001407938.1, NM_001407937.1, NM_001407939.1 and 19 more transcripts); c.2127G>C, p.Met709Ile (NM_001407941.1, NM_001407940.1, NM_001407649.1 and 11 more transcripts); c.1989G>C, p.Met663Ile (NM_001407935.1, NM_001407920.1, NM_001407921.1 and 9 more transcripts); c.2040G>C, p.Met680Ile (NM_001407571.1, NM_001407853.1, NM_001407894.1 and 9 more transcripts); c.2253G>C, p.Met751Ile (NM_001407581.1, NM_001407582.1, NM_001407583.1 and 30 more transcripts); c.2250G>C, p.Met750Ile (NM_001407587.1, NM_001407590.1, NM_001407591.1 and 22 more transcripts); and 41 more; short protein forms M751I, M704I, M623I, M662I, M663I, M684I, M703I, M709I.
Identifiers: ClinVar variation 462581 (VCV000462581.12), dbSNP rs1555590040, ClinGen allele CA10597494.
Genomic context (GRCh38, chr17:43,093,278, plus strand): 5'-CAATGAAATACTGCTACTCTCTACAGATCTTTCAGTTTGCAAAACCCTTTCTCCACTTAA[C>G]ATGAGATCTTTGGGGTCTTCAGCATTATTAGACACTTTAACTGTTTCTAGTTTCTCTTCT-3'
Protein context (NP_009225.1, residues 741-761): SNNAEDPKDL[Met751Ile]LSGERVLQTE

ClinVar aggregate classification (germline): Conflicting classifications of pathogenicity. Review status: criteria provided, conflicting classifications (1 of 4 stars). 2 submissions from 2 submitters: Uncertain significance (1); Likely benign (1). Last evaluated 2023-07-12.

Conditions:
Hereditary cancer-predisposing syndrome. Also called: Neoplastic Syndromes, Hereditary; Hereditary Cancer Syndrome; Hereditary neoplastic syndrome; Tumor predisposition. Identifiers: Orphanet 140162, MedGen C0027672, MeSH D009386, MONDO:0015356.
Hereditary breast ovarian cancer syndrome. Also called: Hereditary breast and ovarian cancer syndrome (HBOC); Hereditary breast and ovarian cancer syndrome; Breast and ovarian cancer; Hereditary breast and/or ovarian cancer syndrome; Hereditary breast and ovarian cancer; BRCA1- and BRCA2-Associated Hereditary Breast and Ovarian Cancer. Identifiers: Orphanet 145, MedGen C0677776, MeSH D061325, MONDO:0003582. Disease mechanism: loss of function.

Submissions (2):

Labcorp Genetics (formerly Invitae), Labcorp
Classification: Uncertain significance for Hereditary breast ovarian cancer syndrome. Last evaluated: 2023-07-12. Review status: criteria provided, single submitter. Criteria: Invitae Variant Classification Sherloc (09022015). Collection method: clinical testing. Allele origin: germline.
Comment: This sequence change replaces methionine, which is neutral and non-polar, with isoleucine, which is neutral and non-polar, at codon 751 of the BRCA1 protein (p.Met751Ile). This variant is not present in population databases (gnomAD no frequency). This variant has not been reported in the literature in individuals affected with BRCA1-related conditions. ClinVar contains an entry for this variant (Variation ID: 462581). Advanced modeling of protein sequence and biophysical properties (such as structural, functional, and spatial information, amino acid conservation, physicochemical variation, residue mobility, and thermodynamic stability) performed at Invitae indicates that this missense variant is not expected to disrupt BRCA1 protein function. In summary, the available evidence is currently insufficient to determine the role of this variant in disease. Therefore, it has been classified as a Variant of Uncertain Significance.

University of Washington Department of Laboratory Medicine, University of Washington
Classification: Likely benign for Hereditary cancer-predisposing syndrome. Last evaluated: 2023-03-23. Review status: criteria provided, single submitter. Criteria: Dines et al. (Genet Med. 2020). Collection method: curation. Allele origin: germline.
Comment: Missense variant in a coldspot region where missense variants are very unlikely to be pathogenic (PMID:31911673).

BRCA1 coldspot (exon 11 using historical exon numbering). Reclassification based on statistical prior probability